The following is an entry in ClinVar:

ClinVar aggregate classification (germline): Uncertain significance (1 of 4 stars; one submission).

Conditions:
Dyskeratosis congenita, autosomal dominant 1 (DKCA1). Also called: Dyskeratosis congenita Scoggins type. Identifiers: Orphanet 1775, MedGen C4551974, MONDO:0007485, OMIM 127550. Inheritance: Variable.

Submission:

Labcorp Genetics (formerly Invitae), Labcorp
Classification: Uncertain significance for Dyskeratosis congenita, autosomal dominant 1. Last evaluated: 2024-06-11. Review status: criteria provided, single submitter. Criteria: Invitae Variant Classification Sherloc (09022015). Collection method: clinical testing. Allele origin: germline.
Comment: This variant occurs in the TERC gene, which encodes an RNA molecule that does not result in a protein product. This variant is not present in population databases (gnomAD no frequency). This variant has not been reported in the literature in individuals affected with TERC-related conditions. Experimental studies and prediction algorithms are not available or were not evaluated, and the functional significance of this variant is currently unknown. This variant is located within the BoxH/ACA scaRNA domain of the TERC RNA component, which is required for telomerase activity (PMID: 21844345). In summary, the available evidence is currently insufficient to determine the role of this variant in disease. Therefore, it has been classified as a Variant of Uncertain Significance.

Literature cited by the submitters: PubMed 21844345.

NR_001566.3(TERC):n.379C>A

Gene: TERC (telomerase RNA component; minus strand). Cytogenetic location: 3q26.2.
Variant type: single nucleotide variant.
Molecular consequence: non-coding transcript variant (on NR_001566.3).
Genome position: GRCh38 VCF-style: chr3-169764682-G-T. GRCh37 (hg19) VCF-style: chr3-169482470-G-T.
Identifiers: ClinVar variation 3629182 (VCV003629182.2).